The following is an entry in ClinVar:

ClinVar aggregate classification (germline): Likely pathogenic (1 of 4 stars; one submission).

Conditions:
Autosomal dominant vitreoretinochoroidopathy. Also called: VITREORETINOCHOROIDOPATHY WITH MICROCORNEA, GLAUCOMA, AND CATARACT; VITREORETINOCHOROIDOPATHY, AUTOSOMAL DOMINANT, WITH NANOPHTHALMOS; Autosomal Dominant Vitreoretinochoroidopathy (ADVIRC). Identifiers: Orphanet 263347, Orphanet 3086, MedGen C3888099, MONDO:0008662, OMIM 193220.

Submission:

Dasa
Classification: Likely pathogenic for Autosomal dominant vitreoretinochoroidopathy. Last evaluated: 2024-11-14. Review status: criteria provided, single submitter. Criteria: DASA Assertion Criteria. Collection method: clinical testing. Allele origin: germline.
Comment: NM_004183.4(BEST1):c.682G>T (p.Asp228Tyr) is a missense variant that results in the substitution of aspartic acid with tyrosine. The affected residue or protein region has prior evidence supporting clinical relevance. This variant has been recurrently observed in individuals with BEST1-related disorders (PMID: 19853238; PMID: 29847639; PMID: 30718709; PMID: 29844330). Also, this variant is absent from population databases. Computational evidence supports a deleterious effect. Based on the currently available evidence, this variant is classified as likely pathogenic.

Literature cited by the submitters: PubMed 19853238; PubMed 29847639; PubMed 30718709; PubMed 29844330.

NM_004183.4(BEST1):c.682G>T (p.Asp228Tyr)

Gene: BEST1 (bestrophin 1; plus strand). Cytogenetic location: 11q12.3.
Variant type: single nucleotide variant.
Coding change: c.682G>T on transcript NM_004183.4 (MANE Select); coding-DNA position 682, G replaced by T.
Protein change: p.Asp228Tyr; replaces aspartic acid 228 with tyrosine.
Molecular consequence: missense variant. On other transcripts: 5 prime UTR variant (1), non-coding transcript variant (1).
Genome position (GRCh38, 1-based): chr11:61,957,432, G>T. VCF-style: chr11-61957432-G-T. GRCh37 (hg19) VCF-style: chr11-61724904-G-T.
Other names: c.502G>T, p.Asp168Tyr (NM_001139443.3, NM_001300786.2, NM_001300787.2 and 3 more transcripts); c.364G>T, p.Asp122Tyr (NM_001363591.3); c.682G>T, p.Asp228Tyr (NM_001363592.2, NM_001440571.1, NM_001440572.1 and 1 more transcripts); c.-494G>T (NM_001363593.3); short protein forms D122Y, D168Y, D228Y.
Identifiers: ClinVar variation 4882983 (VCV004882983.2).